The following is an entry in ClinVar:

NM_007118.4(TRIO):c.2660A>C (p.Glu887Ala)

Gene: TRIO (trio Rho guanine nucleotide exchange factor; plus strand). Cytogenetic location: 5p15.2.
Variant type: single nucleotide variant.
Coding change: c.2660A>C on transcript NM_007118.4 (MANE Select); coding-DNA position 2660, A replaced by C.
Protein change: p.Glu887Ala; replaces glutamic acid 887 with alanine.
Molecular consequence: missense variant. On other transcripts: non-coding transcript variant (1).
Genome position (GRCh38, 1-based): chr5:14,364,722, A>C. VCF-style: chr5-14364722-A-C. GRCh37 (hg19) VCF-style: chr5-14364831-A-C.
Other names: short protein forms E887A.
Identifiers: ClinVar variation 3235775 (VCV003235775.1), dbSNP rs2532656062, ClinGen allele CA359212181.

ClinVar aggregate classification (germline): Uncertain significance (1 of 4 stars; one submission).

Submission:

Greenwood Genetic Center Diagnostic Laboratories, Greenwood Genetic Center
Classification: Uncertain significance. Last evaluated: 2024-03-04. Review status: criteria provided, single submitter. Criteria: ACMG Guidelines, 2015. Collection method: clinical testing. Allele origin: germline. Affected: yes.
Comment: PM2